The following is an entry in ClinVar:

NM_002382.5(MAX):c.216G>T (p.Gln72His)

Gene: MAX (MYC associated transcriptional regulator X; minus strand). Cytogenetic location: 14q23.3.
Variant type: single nucleotide variant.
Coding change: c.216G>T on transcript NM_002382.5 (MANE Select); coding-DNA position 216, G replaced by T.
Protein change: p.Gln72His; replaces glutamine 72 with histidine.
Molecular consequence: missense variant. On other transcripts: 5 prime UTR variant (6), non-coding transcript variant (7), intron variant (2).
Genome position (GRCh38, 1-based): chr14:65,077,992, C>A on the plus strand (G>T on the coding strand, the complement: MAX is on the minus strand). VCF-style: chr14-65077992-C-A. GRCh37 (hg19) VCF-style: chr14-65544710-C-A.
Other names: c.189G>T, p.Gln63His (NM_001407100.1, NM_001407101.1, NM_001407102.1 and 6 more transcripts); c.216G>T, p.Gln72His (NM_001407103.1, NM_001407104.1, NM_145113.3 and 3 more transcripts); c.-59G>T (NM_001407105.1, NM_001407106.1, NM_001407107.1 and 1 more transcripts); c.-152G>T (NM_001407111.1, NM_001407112.1); c.144+15716G>T (NM_001271069.2); c.171+15716G>T (NM_197957.4); c.108G>T, p.Gln36His (NM_001407098.1); short protein forms Q36H, Q63H, Q72H.
Identifiers: ClinVar variation 4859546 (VCV004859546.1).

ClinVar aggregate classification (germline): Uncertain significance (1 of 4 stars; one submission).

Conditions:
Hereditary cancer-predisposing syndrome. Also called: Neoplastic Syndromes, Hereditary; Tumor predisposition; Hereditary Cancer Syndrome; Hereditary neoplastic syndrome. Identifiers: Orphanet 140162, MedGen C0027672, MeSH D009386, MONDO:0015356.

gnomAD v4.1: 1 of 1,614,172 alleles (0.000062%); highest among the groups gnomAD compares: Non-Finnish European, 0.000085%; no homozygotes.

Submission:

Ambry Genetics
Classification: Uncertain significance for Hereditary cancer-predisposing syndrome. Last evaluated: 2026-04-26. Review status: criteria provided, single submitter. Criteria: Ambry Variant Classification Scheme 2023. Collection method: clinical testing. Allele origin: germline.
Comment: The p.Q72H variant (also known as c.216G>T), located in coding exon 4 of the MAX gene, results from a G to T substitution at nucleotide position 216. The glutamine at codon 72 is replaced by histidine, an amino acid with highly similar properties. This amino acid position is conserved. In addition, this alteration is predicted to be deleterious by in silico analysis. Based on the available evidence, the clinical significance of this variant remains unclear.